The following is an entry in ClinVar:

NM_001297.5(CNGB1):c.1950G>A (p.Pro650=)

Gene: CNGB1 (cyclic nucleotide gated channel subunit beta 1; minus strand). Cytogenetic location: 16q21.
Variant type: single nucleotide variant.
Coding change: c.1950G>A on transcript NM_001297.5 (MANE Select); coding-DNA position 1950, G replaced by A.
Protein change: p.Pro650=; no amino-acid change (proline 650 retained).
Molecular consequence: synonymous variant.
Genome position (GRCh38, 1-based): chr16:57,919,106, C>T on the plus strand (G>A on the coding strand, the complement: CNGB1 is on the minus strand). VCF-style: chr16-57919106-C-T. GRCh37 (hg19) VCF-style: chr16-57953010-C-T.
Other names: c.1950G>A (NM_001297.4); c.1932G>A, p.Pro644= (NM_001286130.2).
Identifiers: ClinVar variation 1916281 (VCV001916281.6), dbSNP rs35424571, ClinGen allele CA8083237.

ClinVar aggregate classification (germline): Likely benign. Review status: criteria provided, multiple submitters, no conflicts (2 of 4 stars). 2 submissions from 2 submitters: Likely benign (2). Last evaluated 2026-07-21.

Conditions:
CNGB1-related disorder. Also called: CNGB1-related condition.

Allele frequency attached by ClinVar (database versions not stated): 1000 Genomes Project 30x 0.00016.
gnomAD v4.1: 19 of 1,614,140 alleles (0.0012%); highest among the groups gnomAD compares: East Asian, 0.0045%; no homozygotes.

Submissions (2):

PreventionGenetics, part of Exact Sciences
Classification: Likely benign for CNGB1-related condition. Last evaluated: 2026-07-21. Review status: criteria provided, single submitter. Criteria: ACMG Guidelines, 2015. Collection method: clinical testing. Allele origin: germline.
Comment: This variant is classified as likely benign based on ACMG/AMP sequence variant interpretation guidelines (Richards et al. 2015 PMID: 25741868, with internal and published modifications).

Labcorp Genetics (formerly Invitae), Labcorp
Classification: Likely benign. Last evaluated: 2022-08-29. Review status: criteria provided, single submitter. Criteria: Invitae Variant Classification Sherloc (09022015). Collection method: clinical testing. Allele origin: germline.